The following is an entry in ClinVar:

NM_005869.4(CWC27):c.938+3205C>G

Gene: CWC27 (CWC27 spliceosome associated cyclophilin; plus strand). Cytogenetic location: 5q12.3.
Variant type: single nucleotide variant.
Coding change: c.938+3205C>G on transcript NM_005869.4 (MANE Select); 3205 bases into the intron after coding-DNA position 938, C replaced by G.
Molecular consequence: intron variant.
Genome position (GRCh38, 1-based): chr5:64,807,591, C>G. VCF-style: chr5-64807591-C-G. GRCh37 (hg19) VCF-style: chr5-64103418-C-G.
Other names: c.938+3205C>G (NM_001297644.1, NM_001364478.1, NM_001318000.2); c.939-8C>G (NM_001297645.2, NM_001297645.1).
Identifiers: ClinVar variation 4970569 (VCV004970569.2).
Genomic context (GRCh38, chr5:64,807,591, plus strand): 5'-ACTTCCTAGGATTTCTAATCCCTTGTCTCTTCCCTTTTTAAAATGTACCAATCCCACTTT[C>G]TTTCCAGCCCACCTTCTCTATGCCTGTATCTTGACTACTGGATACAGCTCAGCAGAATCA-3'

ClinVar aggregate classification (germline): Likely benign. Review status: criteria provided, multiple submitters, no conflicts (2 of 4 stars). 2 submissions from 2 submitters: Likely benign (2). Last evaluated 2025-07-13.

Conditions:
CWC27-related disorder. Also called: CWC27-related condition.

gnomAD v4.1: 130 of 1,524,272 alleles (0.0085%); highest among the groups gnomAD compares: African/African-American, 0.16%; no homozygotes.

Submissions (2):

PreventionGenetics, part of Exact Sciences
Classification: Likely benign for CWC27-related condition. Last evaluated: 2025-07-13. Review status: criteria provided, single submitter. Criteria: ACMG Guidelines, 2015. Collection method: clinical testing. Allele origin: germline.
Comment: This variant is classified as likely benign based on ACMG/AMP sequence variant interpretation guidelines (Richards et al. 2015 PMID: 25741868, with internal and published modifications).

Blueprint Genetics
Classification: Likely benign. Last evaluated: 2024-10-04. Review status: criteria provided, single submitter. Criteria: ACMG Guidelines, 2015. Collection method: clinical testing. Allele origin: germline.